The following is an entry in ClinVar:

NM_000260.4(MYO7A):c.5113C>A (p.Pro1705Thr)

Gene: MYO7A (myosin VIIA; plus strand). Cytogenetic location: 11q13.5.
Variant type: single nucleotide variant.
Coding change: c.5113C>A on transcript NM_000260.4 (MANE Select); coding-DNA position 5113, C replaced by A.
Protein change: p.Pro1705Thr; replaces proline 1705 with threonine.
Molecular consequence: missense variant.
Genome position (GRCh38, 1-based): chr11:77,202,369, C>A. VCF-style: chr11-77202369-C-A. GRCh37 (hg19) VCF-style: chr11-76913414-C-A.
Other names: c.4999C>A, p.Pro1667Thr (NM_001127180.2); c.4966C>A, p.Pro1656Thr (NM_001369365.1); short protein forms P1656T, P1667T, P1705T.
Identifiers: ClinVar variation 2420337 (VCV002420337.6), dbSNP rs1336723769, ClinGen allele CA381951707.

ClinVar aggregate classification (germline): Uncertain significance (1 of 4 stars; one submission).

Allele frequency attached by ClinVar (database versions not stated): gnomAD exomes below 0.00001.
gnomAD v4.1: 3 of 1,562,330 alleles (0.00019%); highest among the groups gnomAD compares: Non-Finnish European, 0.00026%; no homozygotes.

Submission:

Labcorp Genetics (formerly Invitae), Labcorp
Classification: Uncertain significance. Last evaluated: 2022-04-01. Review status: criteria provided, single submitter. Criteria: Invitae Variant Classification Sherloc (09022015). Collection method: clinical testing. Allele origin: germline.
Comment: In summary, the available evidence is currently insufficient to determine the role of this variant in disease. Therefore, it has been classified as a Variant of Uncertain Significance. Advanced modeling of protein sequence and biophysical properties (such as structural, functional, and spatial information, amino acid conservation, physicochemical variation, residue mobility, and thermodynamic stability) performed at Invitae indicates that this missense variant is not expected to disrupt MYO7A protein function. This variant has not been reported in the literature in individuals affected with MYO7A-related conditions. This variant is not present in population databases (gnomAD no frequency). This sequence change replaces proline, which is neutral and non-polar, with threonine, which is neutral and polar, at codon 1705 of the MYO7A protein (p.Pro1705Thr).